The following is an entry in ClinVar:

NM_138694.4(PKHD1):c.171A>G (p.Gln57=)

Gene: PKHD1 (PKHD1 ciliary IPT domain containing fibrocystin/polyductin; minus strand). Cytogenetic location: 6p12.2.
Variant type: single nucleotide variant.
Coding change: c.171A>G on transcript NM_138694.4 (MANE Select); coding-DNA position 171, A replaced by G.
Protein change: p.Gln57=; no amino-acid change (glutamine 57 retained).
Molecular consequence: synonymous variant.
Genome position (GRCh38, 1-based): chr6:52,082,502, T>C on the plus strand (A>G on the coding strand, the complement: PKHD1 is on the minus strand). VCF-style: chr6-52082502-T-C. GRCh37 (hg19) VCF-style: chr6-51947300-T-C.
Other names: c.171A>G (NM_138694.3); c.171A>G, p.Gln57= (NM_170724.3).
Identifiers: ClinVar variation 997116 (VCV000997116.12), dbSNP rs543640706, ClinGen allele CA3854003.

ClinVar aggregate classification (germline): Likely benign. Review status: criteria provided, single submitter (1 of 4 stars). 3 submissions from 3 submitters: Likely benign (1). 2 of the submissions do not count toward it. Last evaluated 2024-02-01.

Conditions:
Polycystic kidney disease. Also called: Polycystic kidney dysplasia; Kidney, Polycystic. Identifiers: MedGen C0022680, MeSH D007690, MONDO:0020642, HP:0000113.
Autosomal recessive polycystic kidney disease (ARPKD). Also called: AR polycystic kidney disease. Identifiers: Orphanet 731, Orphanet 8378, MedGen C0085548, MeSH D017044, MONDO:0009889.
PKHD1-related disorder. Also called: PKHD1-related condition.

Allele frequency attached by ClinVar (database versions not stated): TOPMed below 0.00001; gnomAD 0.00001; gnomAD exomes 0.00003 and 0.00006; ExAC 0.00010; 1000 Genomes Project 30x 0.00016; 1000 Genomes Project 0.00020.
gnomAD v4.1: 43 of 1,614,048 alleles (0.0027%); highest among the groups gnomAD compares: South Asian, 0.038%; no homozygotes.

Submissions (3):

Labcorp Genetics (formerly Invitae), Labcorp
Classification: Likely benign for Autosomal recessive polycystic kidney disease. Last evaluated: 2024-02-01. Review status: criteria provided, single submitter. Criteria: Invitae Variant Classification Sherloc (09022015). Collection method: clinical testing. Allele origin: germline.

PreventionGenetics, part of Exact Sciences
Classification: Likely benign for PKHD1-related condition. Last evaluated: 2021-09-14. Review status: no assertion criteria provided. Collection method: clinical testing. Allele origin: germline. Not counted in ClinVar's aggregate classification.
Comment: This variant is classified as likely benign based on ACMG/AMP sequence variant interpretation guidelines (Richards et al. 2015 PMID: 25741868, with internal and published modifications).

Department of Pathology and Laboratory Medicine, Sinai Health System
Classification: Uncertain significance for Polycystic Kidney disease. Review status: no assertion criteria provided. Collection method: clinical testing. Allele origin: unknown. Affected: yes. Study: The Canadian Open Genetics Repository (COGR). Not counted in ClinVar's aggregate classification.
Comment: The PKHD1 p.Gln57= variant was not identified in the literature nor was it identified in the ClinVar, LOVD 3.0, or the RWTH AAachen University ARPKD database. The variant was identified in the dbSNP database (ID: rs543640706) and in control databases in 15 of 246170 chromosomes at a frequency of 0.00006 (Genome Aggregation Database Feb 27, 2017). Breakdown of the observations by population include Latino in 1 of 33576 chromosomes (freq: 0.00003) and South Asian in 14 of 30782 chromosomes (freq: 0.0005). The variant was not observed in the African, Other, European, Ashkenazi Jewish, East Asian, or Finnish populations. The p.Gln57= variant is not expected to have clinical significance because it does not result in a change of amino acid and is not located in a known consensus splice site. However, 3 of 5 in silico or computational prediction software programs (SpliceSiteFinder, MaxEntScan, NNSPLICE, GeneSplicer, HumanSpliceFinder) predict a greater than 10% difference in splicing. In summary, based on the above information the clinical significance of this variant cannot be determined with certainty at this time. This variant is classified as a variant of uncertain significance.